The following is an entry in ClinVar:

ClinVar aggregate classification (germline): Uncertain significance. Review status: criteria provided, multiple submitters, no conflicts (2 of 4 stars). 3 submissions from 3 submitters: Uncertain significance (2). 1 of the submissions does not count toward it. Last evaluated 2024-07-24.

Conditions:
Cohen syndrome (COH1). Also called: Cutis verticis gyrata, retinitis pigmentosa, and sensorineural deafness; PEPPER SYNDROME. Identifiers: Orphanet 193, MedGen C0265223, MONDO:0008999, OMIM 216550.

gnomAD v4.1: 3 of 1,613,688 alleles (0.00019%); highest among the groups gnomAD compares: South Asian, 0.0011%; no homozygotes.

Submissions (3):

Women's Health and Genetics/Laboratory Corporation of America, LabCorp
Classification: Uncertain significance. Last evaluated: 2024-07-24. Review status: criteria provided, single submitter. Criteria: LabCorp Variant Classification Summary - May 2015. Collection method: clinical testing. Allele origin: germline.
Comment: Variant summary: VPS13B c.9058C>T (p.Pro3020Ser) results in a non-conservative amino acid change in the encoded protein sequence. Five of five in-silico tools predict a damaging effect of the variant on protein function. The variant was absent in 250184 control chromosomes. The available data on variant occurrences in the general population are insufficient to allow any conclusion about variant significance. To our knowledge, no occurrence of c.9058C>T in individuals affected with Cohen Syndrome and no experimental evidence demonstrating its impact on protein function have been reported. ClinVar contains an entry for this variant (Variation ID: 1019585). Based on the evidence outlined above, the variant was classified as uncertain significance.

Labcorp Genetics (formerly Invitae), Labcorp
Classification: Uncertain significance for Cohen syndrome. Last evaluated: 2022-07-06. Review status: criteria provided, single submitter. Criteria: Invitae Variant Classification Sherloc (09022015). Collection method: clinical testing. Allele origin: germline.
Comment: This sequence change replaces proline, which is neutral and non-polar, with serine, which is neutral and polar, at codon 3020 of the VPS13B protein (p.Pro3020Ser). This variant is not present in population databases (gnomAD no frequency). This variant has not been reported in the literature in individuals affected with VPS13B-related conditions. ClinVar contains an entry for this variant (Variation ID: 1019585). Algorithms developed to predict the effect of missense changes on protein structure and function are either unavailable or do not agree on the potential impact of this missense change (SIFT: "Not Available"; PolyPhen-2: "Possibly Damaging"; Align-GVGD: "Not Available"). In summary, the available evidence is currently insufficient to determine the role of this variant in disease. Therefore, it has been classified as a Variant of Uncertain Significance.

Natera, Inc.
Classification: Uncertain significance for Cohen syndrome. Last evaluated: 2021-05-11. Review status: no assertion criteria provided. Collection method: clinical testing. Allele origin: germline. Not counted in ClinVar's aggregate classification.

NM_152564.5(VPS13B):c.8983C>T (p.Pro2995Ser)

Gene: VPS13B (vacuolar protein sorting 13 homolog B; plus strand). Cytogenetic location: 8q22.2.
Variant type: single nucleotide variant.
Coding change: c.8983C>T on transcript NM_152564.5 (MANE Select); coding-DNA position 8983, C replaced by T.
Protein change: p.Pro2995Ser; replaces proline 2995 with serine.
Molecular consequence: missense variant.
Genome position (GRCh38, 1-based): chr8:99,820,111, C>T. VCF-style: chr8-99820111-C-T. GRCh37 (hg19) VCF-style: chr8-100832339-C-T.
Other names: c.9058C>T, p.Pro3020Ser (NM_017890.5); short protein forms P2995S, P3020S.
Identifiers: ClinVar variation 1019585 (VCV001019585.11), dbSNP rs1180231209, ClinGen allele CA371777479.